The following is an entry in ClinVar:

ClinVar aggregate classification (germline): Uncertain significance (1 of 4 stars; one submission).

Conditions:
Primary ciliary dyskinesia 13. Also called: CILIARY DYSKINESIA, PRIMARY, 13, WITH OR WITHOUT SITUS INVERSUS. Identifiers: Orphanet 244, MedGen C2750790, MONDO:0013174, OMIM 613193.

gnomAD v4.1: 2 of 1,613,538 alleles (0.00012%); highest among the groups gnomAD compares: Non-Finnish European, 0.00017%; no homozygotes.

Submission:

ARUP Laboratories, Molecular Genetics and Genomics, ARUP Laboratories
Classification: Uncertain significance for Primary ciliary dyskinesia 13. Last evaluated: 2025-05-29. Review status: criteria provided, single submitter. Criteria: ARUP Molecular Germline Variant Investigation Process 2024. Collection method: clinical testing. Allele origin: germline.
Comment: The DNAAF1 c.864-4A>G variant (rs770570669), to our knowledge, is not reported in the medical literature or gene specific databases. This variant is also absent from the Genome Aggregation Database (v2.1.1), indicating that it is not a common polymorphism. This is an intronic variant and computational analyses (Alamut Visual Plus v.1.12) predict that this variant may impact splicing by creating a novel cryptic acceptor site. However, given the lack of clinical and functional data, the significance of this variant is uncertain at this time.

NM_178452.6(DNAAF1):c.864-4A>G

Gene: DNAAF1 (dynein axonemal assembly factor 1; plus strand). Cytogenetic location: 16q24.1.
Variant type: single nucleotide variant.
Coding change: c.864-4A>G on transcript NM_178452.6 (MANE Select); 4 bases into the intron before coding-DNA position 864, A replaced by G.
Molecular consequence: intron variant.
Genome position (GRCh38, 1-based): chr16:84,165,779, A>G. VCF-style: chr16-84165779-A-G. GRCh37 (hg19) VCF-style: chr16-84199385-A-G.
Other names: c.108-4A>G (NM_001318756.1).
Identifiers: ClinVar variation 4685852 (VCV004685852.1).
Genomic context (GRCh38, chr16:84,165,779, plus strand): 5'-TTGATCAGACAGTGTATGTTTGGAGTTCACCTCCCCTATTTATGTTTCTTTGTTTTTTAA[A>G]CAGAGCTTGTGCGGAGGCCTGGGCTAGGGGAGGGTACGCAGCTGAAAAGGAGGAGAGACA-3'